The following is an entry in ClinVar:

NM_006947.4(SRP72):c.1550A>G (p.Asp517Gly)

Gene: SRP72 (signal recognition particle 72; plus strand). Cytogenetic location: 4q12.
Variant type: single nucleotide variant.
Coding change: c.1550A>G on transcript NM_006947.4 (MANE Select); coding-DNA position 1550, A replaced by G.
Protein change: p.Asp517Gly; replaces aspartic acid 517 with glycine.
Molecular consequence: missense variant. On other transcripts: non-coding transcript variant (1).
Genome position (GRCh38, 1-based): chr4:56,491,478, A>G. VCF-style: chr4-56491478-A-G. GRCh37 (hg19) VCF-style: chr4-57357644-A-G.
Other names: c.1367A>G, p.Asp456Gly (NM_001267722.2); short protein forms D456G, D517G.
Identifiers: ClinVar variation 4589630 (VCV004589630.1).

ClinVar aggregate classification (germline): Uncertain significance (1 of 4 stars; one submission).

Submission:

Ambry Genetics
Classification: Uncertain significance. Last evaluated: 2025-11-18. Review status: criteria provided, single submitter. Criteria: Ambry Variant Classification Scheme 2023. Collection method: clinical testing. Allele origin: germline.
Comment: The p.D517G variant (also known as c.1550A>G), located in coding exon 16 of the SRP72 gene, results from an A to G substitution at nucleotide position 1550. The aspartic acid at codon 517 is replaced by glycine, an amino acid with similar properties. This amino acid position is conserved. In addition, this alteration is predicted to be deleterious by in silico analysis. Based on the available evidence, the clinical significance of this variant remains unclear.